The following is an entry in ClinVar:

ClinVar aggregate classification (germline): Uncertain significance (1 of 4 stars; one submission).

Submission:

ARUP Laboratories, Molecular Genetics and Genomics, ARUP Laboratories
Classification: Uncertain significance. Last evaluated: 2020-05-19. Review status: criteria provided, single submitter. Criteria: ARUP Molecular Germline Variant Investigation Process. Collection method: clinical testing. Allele origin: germline.
Comment: The HBB c.144T>A; p.Asp48Glu variant (also known as Asp47Glu when numbered from the mature protein), to our knowledge, is not reported in the medical literature or gene-specific databases. This variant is also absent from general population databases (Exome Variant Server, Genome Aggregation Database), indicating it is not a common polymorphism. The aspartate at codon 48 is highly conserved but computational analyses (SIFT: damaging, PolyPhen-2: benign) predict conflicting effects of this variant on protein structure/function. However, other amino acid substitutions at this codon (Ala, Asn, Gly, His, Tyr, Val) have been reported in individuals without clinical symptoms (see HbVar database, variant IDs: 324, 325, 326, 327, 935, 1227), suggesting this position may be tolerant of variation. However, due to limited information, the clinical significance of the c.144T>A; p.Asp48Glu variant is uncertain at this time. References: HbVar database

NM_000518.5(HBB):c.144T>A (p.Asp48Glu)

Genes: HBB (hemoglobin subunit beta; minus strand), LOC106099062 (HBB recombination region; plus strand), LOC107133510 (origin of replication at HBB; plus strand). Cytogenetic location: 11p15.4.
Variant type: single nucleotide variant.
Coding change: c.144T>A on transcript NM_000518.5 (MANE Select); coding-DNA position 144, T replaced by A.
Protein change: p.Asp48Glu; replaces aspartic acid 48 with glutamic acid.
Molecular consequence: missense variant.
Genome position (GRCh38, 1-based): chr11:5,226,748, A>T on the plus strand (T>A on the coding strand, the complement: HBB is on the minus strand). VCF-style: chr11-5226748-A-T. GRCh37 (hg19) VCF-style: chr11-5247978-A-T.
Other names: short protein forms D48E.
Identifiers: ClinVar variation 993533 (VCV000993533.8), dbSNP rs754454495, ClinGen allele CA379274466.
Genomic context (GRCh38, chr11:5,226,748, plus strand): 5'-CACTTTCTTGCCATGAGCCTTCACCTTAGGGTTGCCCATAACAGCATCAGGAGTGGACAG[A>T]TCCCCAAAGGACTCAAAGAACCTCTGGGTCCAAGGGTAGACCACCAGCAGCCTAAGGGTG-3'
Protein context (NP_000509.1, residues 38-58): WTQRFFESFG[Asp48Glu]LSTPDAVMGN